The following is an entry in ClinVar:

ClinVar aggregate classification (germline): Likely benign (1 of 4 stars; one submission).

Allele frequency attached by ClinVar (database versions not stated): TOPMed 0.00516; ExAC 0.00532; gnomAD 0.00570; 1000 Genomes Project 30x 0.00297; 1000 Genomes Project 0.00319; ESP Exome Variant Server 0.00580.
gnomAD v4.1: 10,920 of 1,607,582 alleles (0.68%); highest among the groups gnomAD compares: Non-Finnish European, 0.82%; 52 homozygotes.

Submission:

CeGaT Center for Human Genetics Tuebingen
Classification: Likely benign. Last evaluated: 2022-06-01. Review status: criteria provided, single submitter. Criteria: CeGaT Center For Human Genetics Tuebingen Variant Classification Criteria Version 2. Collection method: clinical testing. Allele origin: germline. Affected: yes. Observed: 1 variant allele.
Comment: GXYLT1: BP4, BP7

NM_173601.2(GXYLT1):c.1026A>T (p.Arg342=)

Gene: GXYLT1 (glucoside xylosyltransferase 1; minus strand). Cytogenetic location: 12q12.
Variant type: single nucleotide variant.
Coding change: c.1026A>T on transcript NM_173601.2 (MANE Select); coding-DNA position 1026, A replaced by T.
Protein change: p.Arg342=; no amino-acid change (arginine 342 retained).
Molecular consequence: synonymous variant.
Genome position (GRCh38, 1-based): chr12:42,097,577, T>A on the plus strand (A>T on the coding strand, the complement: GXYLT1 is on the minus strand). VCF-style: chr12-42097577-T-A. GRCh37 (hg19) VCF-style: chr12-42491379-T-A.
Other names: c.933A>T, p.Arg311= (NM_001099650.2).
Identifiers: ClinVar variation 2642888 (VCV002642888.24), dbSNP rs139072942, ClinGen allele CA6518203.